The following is an entry in ClinVar:

ClinVar aggregate classification (germline): Uncertain significance. Review status: criteria provided, multiple submitters, no conflicts (2 of 4 stars). 2 submissions from 2 submitters: Uncertain significance (2). Last evaluated 2023-11-28.

Allele frequency attached by ClinVar (database versions not stated): gnomAD exomes 0.00001; gnomAD 0.00001.
gnomAD v4.1: 4 of 1,612,894 alleles (0.00025%); highest among the groups gnomAD compares: Admixed American, 0.005%; no homozygotes.

Submissions (2):

Revvity Omics, Revvity
Classification: Uncertain significance. Last evaluated: 2023-11-28. Review status: criteria provided, single submitter. Criteria: ACMG Guidelines, 2015. Collection method: clinical testing. Allele origin: germline.

GeneDx
Classification: Uncertain significance. Last evaluated: 2014-08-04. Review status: criteria provided, single submitter. Criteria: GeneDx Variant Classification (06012015). Collection method: clinical testing. Allele origin: germline. Affected: yes.
Comment: Missense variants in the TTN gene are considered 'unclassified' if they are not previously reported in the literature and do not have >1% frequency in the population to be considered a polymorphism. Research indicates that truncating mutations in the TTN gene are expected to account for approximately 25% of familial and 18% of sporadic idiopathic DCM; however, truncating variants in the TTN gene have been reported in approximately 3% of reported control alleles. There has been little investigation into non-truncating variants. (Herman D et al. Truncations of titin causing dilated cardiomyopathy. N Eng J Med 366:619-628, 2012) The variant is found in CARDIOMYOPATHY panel(s).

NM_001267550.2(TTN):c.42085G>A (p.Asp14029Asn)

Gene: TTN (titin; minus strand). Cytogenetic location: 2q31.2.
Variant type: single nucleotide variant.
Coding change: c.42085G>A on transcript NM_001267550.2 (MANE Select); coding-DNA position 42085, G replaced by A.
Protein change: p.Asp14029Asn; replaces aspartic acid 14029 with asparagine.
Molecular consequence: missense variant.
Genome position (GRCh38, 1-based): chr2:178,634,789, C>T on the plus strand (G>A on the coding strand, the complement: TTN is on the minus strand). VCF-style: chr2-178634789-C-T. GRCh37 (hg19) VCF-style: chr2-179499516-C-T.
Other names: p.D12388N:GAC>AAC; c.37162G>A, p.Asp12388Asn (NM_001256850.1); c.14890G>A, p.Asp4964Asn (NM_003319.4); c.34381G>A, p.Asp11461Asn (NM_133378.4); c.15265G>A, p.Asp5089Asn (NM_133432.3); c.15466G>A, p.Asp5156Asn (NM_133437.4); short protein forms D12388N, D14029N, D5089N, D11461N, D4964N, D5156N.
Identifiers: ClinVar variation 202623 (VCV000202623.3), dbSNP rs794729426, ClinGen allele CA309787.
Genomic context (GRCh38, chr2:178,634,789, plus strand): 5'-CTGTCAAAATGGCAGTTGTAATTGCATTAAGGGCCTGGTAGAGGACTTCACCAGCTTGGT[C>T]CAGTTTGACTTTGTGCAAAGTTAAGAAGCGTTTTCCACCTTCTGCTTTGATTTCACAAGT-3'
Protein context (NP_001254479.2, residues 14019-14039): RFLTLHKVKL[Asp14029Asn]QAGEVLYQAL